The following is an entry in ClinVar:

NM_000133.4(F9):c.1015A>G (p.Lys339Glu)

Gene: F9 (coagulation factor IX; plus strand). Cytogenetic location: Xq27.1.
Variant type: single nucleotide variant.
Coding change: c.1015A>G on transcript NM_000133.4 (MANE Select); coding-DNA position 1015, A replaced by G.
Protein change: p.Lys339Glu; replaces lysine 339 with glutamic acid.
Molecular consequence: missense variant.
Genome position (GRCh38, 1-based): chrX:139,561,700, A>G. VCF-style: chrX-139561700-A-G. GRCh37 (hg19) VCF-style: chrX-138643859-A-G.
Other names: c.901A>G, p.Lys301Glu (NM_001313913.2); short protein forms K301E, K339E.
Identifiers: ClinVar variation 4536449 (VCV004536449.1).
Genomic context (GRCh38, chrX:139,561,700, plus strand): 5'-CTGGAACTGGACGAACCCTTAGTGCTAAACAGCTACGTTACACCTATTTGCATTGCTGAC[A>G]AGGAATACACGAACATCTTCCTCAAATTTGGATCTGGCTATGTAAGTGGCTGGGGAAGAG-3'
Protein context (NP_000124.1, residues 329-349): SYVTPICIAD[Lys339Glu]EYTNIFLKFG

ClinVar aggregate classification (germline): Uncertain significance (1 of 4 stars; one submission).

Submission:

GeneDx
Classification: Uncertain significance. Last evaluated: 2025-06-05. Review status: criteria provided, single submitter. Criteria: GeneDx Variant Classification Process June 2021. Collection method: clinical testing. Allele origin: germline. Affected: yes.
Comment: Reported in the published literature in association with mild hemophilia B; however, detailed clinical and segregation information was not provided (PMID: 19699296, 10595634); In silico analysis suggests that this missense variant does not alter protein structure/function; Not observed at significant frequency in large population cohorts (gnomAD); This variant is associated with the following publications: (PMID: 19699296, 10595634)